The following is an entry in ClinVar:

ClinVar aggregate classification (germline): Uncertain significance. Review status: criteria provided, multiple submitters, no conflicts (2 of 4 stars). 4 submissions from 4 submitters: Uncertain significance (4). Last evaluated 2025-10-06.

Conditions:
Inborn genetic diseases. Identifiers: MedGen C0950123, MeSH D030342.
Donnai-Barrow syndrome. Also called: DBS/FOAR SYNDROME; FACIOOCULOACOUSTICORENAL SYNDROME. Identifiers: Orphanet 2143, MedGen C1857277, MONDO:0009104, OMIM 222448.

Allele frequency attached by ClinVar (database versions not stated): gnomAD exomes below 0.00001; ExAC 0.00001; TOPMed 0.00007; gnomAD 0.00008 and 0.00009.

Submissions (4):

Ambry Genetics
Classification: Uncertain significance for Inborn genetic diseases. Last evaluated: 2025-10-06. Review status: criteria provided, single submitter. Criteria: Ambry Variant Classification Scheme 2023. Collection method: clinical testing. Allele origin: germline.

Labcorp Genetics (formerly Invitae), Labcorp
Classification: Uncertain significance. Last evaluated: 2025-04-27. Review status: criteria provided, single submitter. Criteria: Invitae Variant Classification Sherloc (09022015). Collection method: clinical testing. Allele origin: germline.
Comment: This sequence change replaces asparagine, which is neutral and polar, with aspartic acid, which is acidic and polar, at codon 1699 of the LRP2 protein (p.Asn1699Asp). This variant is present in population databases (rs774435995, gnomAD 0.008%). This variant has not been reported in the literature in individuals affected with LRP2-related conditions. ClinVar contains an entry for this variant (Variation ID: 1431564). Invitae Evidence Modeling of protein sequence and biophysical properties (such as structural, functional, and spatial information, amino acid conservation, physicochemical variation, residue mobility, and thermodynamic stability) indicates that this missense variant is not expected to disrupt LRP2 protein function with a negative predictive value of 95%. In summary, the available evidence is currently insufficient to determine the role of this variant in disease. Therefore, it has been classified as a Variant of Uncertain Significance.

Fulgent Genetics
Classification: Uncertain significance for Donnai-Barrow syndrome. Last evaluated: 2022-02-03. Review status: criteria provided, single submitter. Criteria: ACMG Guidelines, 2015. Collection method: clinical testing. Allele origin: unknown.

Breakthrough Genomics
Classification: Uncertain significance. Review status: criteria provided, single submitter. Criteria: ACMG Guidelines, 2015. Collection method: not provided. Allele origin: germline. Inheritance: Autosomal recessive inheritance. Affected: yes.

NM_004525.3(LRP2):c.5095A>G (p.Asn1699Asp)

Gene: LRP2 (LDL receptor related protein 2; minus strand). Cytogenetic location: 2q31.1.
Variant type: single nucleotide variant.
Coding change: c.5095A>G on transcript NM_004525.3 (MANE Select); coding-DNA position 5095, A replaced by G.
Protein change: p.Asn1699Asp; replaces asparagine 1699 with aspartic acid.
Molecular consequence: missense variant.
Genome position (GRCh38, 1-based): chr2:169,233,414, T>C on the plus strand (A>G on the coding strand, the complement: LRP2 is on the minus strand). VCF-style: chr2-169233414-T-C. GRCh37 (hg19) VCF-style: chr2-170089924-T-C.
Other names: c.5095A>G (NM_004525.2); short protein forms N1699D.
Identifiers: ClinVar variation 1431564 (VCV001431564.8), dbSNP rs774435995, ClinGen allele CA1954629.
Genomic context (GRCh38, chr2:169,233,414, plus strand): 5'-CCAGGGTCAGTGTTTTTCAAGCTACTCCCAGGCAGGATGTTTCTCTGTATCACTCACAAT[T>C]TGGTTGTTTCGAAGGATGAACCGCAACAATCCCAAGGGGCCATTGAATATTATACATTAC-3'
Protein context (NP_004516.2, residues 1689-1709): IVAVHPSKQP[Asn1699Asp]SVNPCAFSRC